The following is an entry in ClinVar:

ClinVar aggregate classification (germline): Uncertain significance (1 of 4 stars; one submission).

gnomAD v4.1: 1 of 1,614,186 alleles (0.000062%); highest among the groups gnomAD compares: South Asian, 0.0011%; no homozygotes.

Submission:

Ambry Genetics
Classification: Uncertain significance. Last evaluated: 2026-03-12. Review status: criteria provided, single submitter. Criteria: Ambry Variant Classification Scheme 2023. Collection method: clinical testing. Allele origin: germline.
Comment: The p.A550V variant (also known as c.1649C>T), located in coding exon 10 of the GALNT12 gene, results from a C to T substitution at nucleotide position 1649. The alanine at codon 550 is replaced by valine, an amino acid with similar properties. This amino acid position is conserved. In addition, this alteration is predicted to be tolerated by in silico analysis. Based on the available evidence, the clinical significance of this variant remains unclear.

NM_024642.5(GALNT12):c.1649C>T (p.Ala550Val)

Gene: GALNT12 (polypeptide N-acetylgalactosaminyltransferase 12; plus strand). Cytogenetic location: 9q22.33.
Variant type: single nucleotide variant.
Coding change: c.1649C>T on transcript NM_024642.5 (MANE Select); coding-DNA position 1649, C replaced by T.
Protein change: p.Ala550Val; replaces alanine 550 with valine.
Molecular consequence: missense variant.
Genome position (GRCh38, 1-based): chr9:98,848,995, C>T. VCF-style: chr9-98848995-C-T. GRCh37 (hg19) VCF-style: chr9-101611277-C-T.
Other names: short protein forms A550V.
Identifiers: ClinVar variation 4826986 (VCV004826986.1).